The following is an entry in ClinVar:

ClinVar aggregate classification (germline): Uncertain significance (1 of 4 stars; one submission).

Conditions:
Bloom syndrome (BLM). Also called: Bloom-Torre-Machacek syndrome. Identifiers: Orphanet 125, MedGen C0005859, MONDO:0008876, OMIM 210900.

Submission:

Labcorp Genetics (formerly Invitae), Labcorp
Classification: Uncertain significance for Bloom syndrome. Last evaluated: 2021-01-07. Review status: criteria provided, single submitter. Criteria: Invitae Variant Classification Sherloc (09022015). Collection method: clinical testing. Allele origin: germline.
Comment: In summary, the available evidence is currently insufficient to determine the role of this variant in disease. Therefore, it has been classified as a Variant of Uncertain Significance. Algorithms developed to predict the effect of missense changes on protein structure and function output the following: SIFT: "Tolerated"; PolyPhen-2: "Benign"; Align-GVGD: "Class C0". The glutamic acid amino acid residue is found in multiple mammalian species, suggesting that this missense change does not adversely affect protein function. These predictions have not been confirmed by published functional studies and their clinical significance is uncertain. This variant has not been reported in the literature in individuals with BLM-related conditions. This variant is not present in population databases (ExAC no frequency). This sequence change replaces glycine with glutamic acid at codon 1096 of the BLM protein (p.Gly1096Glu). The glycine residue is moderately conserved and there is a moderate physicochemical difference between glycine and glutamic acid.

NM_000057.4(BLM):c.3287G>A (p.Gly1096Glu)

Gene: BLM (BLM RecQ like helicase; plus strand). Cytogenetic location: 15q26.1.
Variant type: single nucleotide variant.
Coding change: c.3287G>A on transcript NM_000057.4 (MANE Select); coding-DNA position 3287, G replaced by A.
Protein change: p.Gly1096Glu; replaces glycine 1096 with glutamic acid.
Molecular consequence: missense variant.
Genome position (GRCh38, 1-based): chr15:90,798,266, G>A. VCF-style: chr15-90798266-G-A. GRCh37 (hg19) VCF-style: chr15-91341496-G-A.
Other names: c.3287G>A, p.Gly1096Glu (NM_001287246.2, NM_001287247.2); c.2162G>A, p.Gly721Glu (NM_001287248.2); short protein forms G721E, G1096E.
Identifiers: ClinVar variation 1500714 (VCV001500714.8), dbSNP rs893352310, ClinGen allele CA393847263.